The following is an entry in ClinVar:

ClinVar aggregate classification (germline): Conflicting classifications of pathogenicity. Review status: criteria provided, conflicting classifications (1 of 4 stars). 3 submissions from 3 submitters: Uncertain significance (2); Likely benign (1). Last evaluated 2024-09-04.

Conditions:
Spastic paraplegia. Identifiers: MedGen C0037772, HP:0001258.
Hereditary spastic paraplegia 35. Also called: LEUKODYSTROPHY, DYSMYELINATING, AND SPASTIC PARAPARESIS WITH OR WITHOUT DYSTONIA; Spastic paraplegia 35, autosomal recessive; Spastic paraplegia 35; SPASTIC PARAPLEGIA 35, AUTOSOMAL RECESSIVE, WITH OR WITHOUT NEURODEGENERATION. Identifiers: Orphanet 171629, MedGen C3496228, MONDO:0012866, OMIM 612319.

Allele frequency attached by ClinVar (database versions not stated): gnomAD 0.00002 and 0.00003; ExAC 0.00003; TOPMed 0.00004.
gnomAD v4.1: 20 of 1,613,184 alleles (0.0012%); highest among the groups gnomAD compares: South Asian, 0.0055%; 1 homozygote.

Submissions (3):

Blueprint Genetics
Classification: Likely benign. Last evaluated: 2024-09-04. Review status: criteria provided, single submitter. Criteria: ACMG Guidelines, 2015. Collection method: clinical testing. Allele origin: germline.

Labcorp Genetics (formerly Invitae), Labcorp
Classification: Uncertain significance for Spastic paraplegia. Last evaluated: 2020-08-26. Review status: criteria provided, single submitter. Criteria: Invitae Variant Classification Sherloc (09022015). Collection method: clinical testing. Allele origin: germline.
Comment: This sequence change falls in intron 5 of the FA2H gene. It does not directly change the encoded amino acid sequence of the FA2H protein, but it affects a nucleotide within the consensus splice site of the intron. This variant is present in population databases (rs746907255, ExAC 0.02%), including at least one homozygous and/or hemizygous individual. This variant has not been reported in the literature in individuals with FA2H-related conditions. ClinVar contains an entry for this variant (Variation ID: 887871). Nucleotide substitutions within the consensus splice site are a relatively common cause of aberrant splicing (PMID: 17576681, 9536098). Algorithms developed to predict the effect of sequence changes on RNA splicing suggest that this variant is not likely to affect RNA splicing, but this prediction has not been confirmed by published transcriptional studies. In summary, the available evidence is currently insufficient to determine the role of this variant in disease. Therefore, it has been classified as a Variant of Uncertain Significance.

Illumina Laboratory Services, Illumina
Classification: Uncertain significance for Hereditary spastic paraplegia 35. Last evaluated: 2018-01-12. Review status: criteria provided, single submitter. Criteria: ICSL Variant Classification Criteria 13 December 2019. Collection method: clinical testing. Allele origin: germline.

Literature cited by the submitters: PubMed 17576681 (cited by Labcorp Genetics (formerly Invitae), Labcorp); PubMed 9536098 (cited by Labcorp Genetics (formerly Invitae), Labcorp).

NM_024306.5(FA2H):c.786+6C>T

Gene: FA2H (fatty acid 2-hydroxylase; minus strand). Cytogenetic location: 16q23.1.
Variant type: single nucleotide variant.
Coding change: c.786+6C>T on transcript NM_024306.5 (MANE Select); 6 bases into the intron after coding-DNA position 786, C replaced by T.
Molecular consequence: intron variant.
Genome position (GRCh38, 1-based): chr16:74,718,982, G>A on the plus strand (C>T on the coding strand, the complement: FA2H is on the minus strand). VCF-style: chr16-74718982-G-A. GRCh37 (hg19) VCF-style: chr16-74752880-G-A.
Identifiers: ClinVar variation 887871 (VCV000887871.11), dbSNP rs746907255, ClinGen allele CA8170410.